The following is an entry in ClinVar:

ClinVar aggregate classification (germline): Uncertain significance (1 of 4 stars; one submission).

Conditions:
Aortic aneurysm, familial thoracic 7 (AAT7). Also called: AORTIC DISSECTION, FAMILIAL, WITH OR WITHOUT AORTIC ANEURYSM. Identifiers: MedGen C3151077, MONDO:0013418, OMIM 613780.

Submission:

Labcorp Genetics (formerly Invitae), Labcorp
Classification: Uncertain significance for Aortic aneurysm, familial thoracic 7. Last evaluated: 2020-01-23. Review status: criteria provided, single submitter. Criteria: Invitae Variant Classification Sherloc (09022015). Collection method: clinical testing. Allele origin: germline.
Comment: This sequence change replaces asparagine with lysine at codon 237 of the MYLK protein (p.Asn237Lys). The asparagine residue is highly conserved and there is a moderate physicochemical difference between asparagine and lysine. This variant is not present in population databases (ExAC no frequency). This variant has not been reported in the literature in individuals with MYLK-related conditions. Algorithms developed to predict the effect of missense changes on protein structure and function are either unavailable or do not agree on the potential impact of this missense change (SIFT: "Deleterious"; PolyPhen-2: "Benign"; Align-GVGD: "Class C65"). In summary, the available evidence is currently insufficient to determine the role of this variant in disease. Therefore, it has been classified as a Variant of Uncertain Significance.

NM_053025.4(MYLK):c.711C>G (p.Asn237Lys)

Gene: MYLK (myosin light chain kinase; minus strand). Cytogenetic location: 3q21.1.
Variant type: single nucleotide variant.
Coding change: c.711C>G on transcript NM_053025.4 (MANE Select); coding-DNA position 711, C replaced by G.
Protein change: p.Asn237Lys; replaces asparagine 237 with lysine.
Molecular consequence: missense variant.
Genome position (GRCh38, 1-based): chr3:123,737,421, G>C on the plus strand (C>G on the coding strand, the complement: MYLK is on the minus strand). VCF-style: chr3-123737421-G-C. GRCh37 (hg19) VCF-style: chr3-123456268-G-C.
Other names: c.711C>G, p.Asn237Lys (NM_053026.4, NM_053027.4, NM_053028.4); c.183C>G, p.Asn61Lys (NM_001321309.2); short protein forms N237K, N61K.
Identifiers: ClinVar variation 1023344 (VCV001023344.9), dbSNP rs149407805, ClinGen allele CA354240643.